The following is an entry in ClinVar:

NM_000038.6(APC):c.57G>C (p.Glu19Asp)

Gene: APC (APC regulator of Wnt signaling pathway; plus strand). Cytogenetic location: 5q22.2.
Variant type: single nucleotide variant.
Coding change: c.57G>C on transcript NM_000038.6 (MANE Select); coding-DNA position 57, G replaced by C.
Protein change: p.Glu19Asp; replaces glutamic acid 19 with aspartic acid.
Molecular consequence: missense variant. On other transcripts: 5 prime UTR variant (1), intron variant (8).
Genome position (GRCh38, 1-based): chr5:112,754,947, G>C. VCF-style: chr5-112754947-G-C. GRCh37 (hg19) VCF-style: chr5-112090644-G-C.
Other names: c.57G>C, p.Glu19Asp (NM_001127510.3, NM_001354895.2, NM_001354896.2 and 2 more transcripts); c.-979G>C (NM_001354906.2); c.166-11379G>C (NM_001354897.2, NM_001354902.2, NM_001127511.3); c.61-11379G>C (NM_001354898.2, NM_001354904.2); c.-42-11379G>C (NM_001354900.2, NM_001354901.2, NM_001354905.2); short protein forms E19D.
Identifiers: ClinVar variation 859406 (VCV000859406.13), dbSNP rs1754787495, ClinGen allele CA16021464.
Genomic context (GRCh38, chr5:112,754,947, plus strand): 5'-AAGGATGGCTGCAGCTTCATATGATCAGTTGTTAAAGCAAGTTGAGGCACTGAAGATGGA[G>C]AACTCAAATCTTCGACAAGAGCTAGAAGATAATTCCAATCATCTTACAAAACTGGAAACT-3'
Protein context (NP_000029.2, residues 9-29): LLKQVEALKM[Glu19Asp]NSNLRQELED

ClinVar aggregate classification (germline): Uncertain significance. Review status: criteria provided, multiple submitters, no conflicts (2 of 4 stars). 2 submissions from 2 submitters: Uncertain significance (2). Last evaluated 2020-05-27.

Conditions:
Hereditary cancer-predisposing syndrome. Also called: Tumor predisposition; Hereditary neoplastic syndrome; Neoplastic Syndromes, Hereditary; Hereditary Cancer Syndrome. Identifiers: Orphanet 140162, MedGen C0027672, MeSH D009386, MONDO:0015356.
Familial adenomatous polyposis 1 (FAP1). Also called: POLYPOSIS, ADENOMATOUS INTESTINAL; FAMILIAL ADENOMATOUS POLYPOSIS 1, ATTENUATED. Identifiers: MedGen C2713442, MONDO:0021056, OMIM 175100. Disease mechanism: loss of function.

Submissions (2):

Ambry Genetics
Classification: Uncertain significance for Hereditary cancer-predisposing syndrome. Last evaluated: 2020-05-27. Review status: criteria provided, single submitter. Criteria: Ambry Variant Classification Scheme 2023. Collection method: clinical testing. Allele origin: germline.
Comment: The p.E19D variant (also known as c.57G>C), located in coding exon 1 of the APC gene, results from a G to C substitution at nucleotide position 57. The glutamic acid at codon 19 is replaced by aspartic acid, an amino acid with highly similar properties. This amino acid position is highly conserved in available vertebrate species. In addition, in silico predictors for this gene do not accurately predict pathogenicity. Since supporting evidence is limited at this time, the clinical significance of this alteration remains unclear.

Labcorp Genetics (formerly Invitae), Labcorp
Classification: Uncertain significance for Familial adenomatous polyposis 1. Last evaluated: 2019-01-18. Review status: criteria provided, single submitter. Criteria: Invitae Variant Classification Sherloc (09022015). Collection method: clinical testing. Allele origin: germline.
Comment: Algorithms developed to predict the effect of missense changes on protein structure and function are either unavailable or do not agree on the potential impact of this missense change (SIFT: "Tolerated"; PolyPhen-2: "Probably Damaging"; Align-GVGD: "Class C0"). In summary, the available evidence is currently insufficient to determine the role of this variant in disease. Therefore, it has been classified as a Variant of Uncertain Significance. This variant has not been reported in the literature in individuals with APC-related conditions. This variant is not present in population databases (ExAC no frequency). This sequence change replaces glutamic acid with aspartic acid at codon 19 of the APC protein (p.Glu19Asp). The glutamic acid residue is highly conserved and there is a small physicochemical difference between glutamic acid and aspartic acid.

Literature cited by the submitters: PubMed 19995397 (cited by Ambry Genetics); PubMed 28002797 (cited by Ambry Genetics); PubMed 8252631 (cited by Ambry Genetics).